The following is an entry in ClinVar:

ClinVar aggregate classification (germline): Conflicting classifications of pathogenicity. Review status: criteria provided, conflicting classifications (1 of 4 stars). 2 submissions from 2 submitters: Uncertain significance (1); Likely benign (1). Last evaluated 2026-03-05.

Conditions:
DRAM2-related disorder. Also called: DRAM2-related condition.

gnomAD v4.1: 39 of 1,612,300 alleles (0.0024%); highest among the groups gnomAD compares: South Asian, 0.041%; 1 homozygote.

Submissions (2):

PreventionGenetics, part of Exact Sciences
Classification: Uncertain significance for DRAM2-related condition. Last evaluated: 2026-03-05. Review status: criteria provided, single submitter. Criteria: ACMG Guidelines, 2015. Collection method: clinical testing. Allele origin: germline.
Comment: The DRAM2 c.523A>T variant is predicted to result in the amino acid substitution p.Thr175Ser. To our knowledge, this variant has not been reported in the literature. This variant is reported in 0.043% of alleles in individuals of South Asian descent in gnomAD. At this time, the clinical significance of this variant is uncertain due to the absence of conclusive functional and genetic evidence.

Blueprint Genetics
Classification: Likely benign. Last evaluated: 2024-09-16. Review status: criteria provided, single submitter. Criteria: ACMG Guidelines, 2015. Collection method: clinical testing. Allele origin: germline.

NM_001349884.2(DRAM2):c.523A>T (p.Thr175Ser)

Gene: DRAM2 (DNA damage regulated autophagy modulator 2; minus strand). Cytogenetic location: 1p13.3.
Variant type: single nucleotide variant.
Coding change: c.523A>T on transcript NM_001349884.2 (MANE Select); coding-DNA position 523, A replaced by T.
Protein change: p.Thr175Ser; replaces threonine 175 with serine.
Molecular consequence: missense variant. On other transcripts: non-coding transcript variant (8).
Genome position (GRCh38, 1-based): chr1:111,119,954, T>A on the plus strand (A>T on the coding strand, the complement: DRAM2 is on the minus strand). VCF-style: chr1-111119954-T-A. GRCh37 (hg19) VCF-style: chr1-111662576-T-A.
Other names: c.523A>T, p.Thr175Ser (NM_001349881.2, NM_001349882.2, NM_001349885.2 and 1 more transcripts); c.253A>T, p.Thr85Ser (NM_001349886.2, NM_001349887.2, NM_001349888.2); c.133A>T, p.Thr45Ser (NM_001349889.2, NM_001349890.2, NM_001349891.2 and 2 more transcripts); c.523A>T (NM_178454.4); short protein forms T85S, T175S, T45S.
Identifiers: ClinVar variation 4906167 (VCV004906167.2).
Genomic context (GRCh38, chr1:111,119,954, plus strand): 5'-AATGGAGTTTCTGTTCTAAATCAGTCCCAAAATTGCCACTGTGCAAAACTGATGAGCAAG[T>A]CAGCACTATAAAAACATAAGTCAAGGAAGAATCTCAGAGACGATCTCAGAGAACAAAAAT-3'
Protein context (NP_001336813.1, residues 165-185): WCGVSALSML[Thr175Ser]CSSVLHSGNF